The following is an entry in ClinVar:

NM_024529.5(CDC73):c.1414A>G (p.Lys472Glu)

Gene: CDC73 (cell division cycle 73; plus strand). Cytogenetic location: 1q31.2.
Variant type: single nucleotide variant.
Coding change: c.1414A>G on transcript NM_024529.5 (MANE Select); coding-DNA position 1414, A replaced by G.
Protein change: p.Lys472Glu; replaces lysine 472 with glutamic acid.
Molecular consequence: missense variant.
Genome position (GRCh38, 1-based): chr1:193,236,353, A>G. VCF-style: chr1-193236353-A-G. GRCh37 (hg19) VCF-style: chr1-193205483-A-G.
Other names: short protein forms K472E.
Identifiers: ClinVar variation 943492 (VCV000943492.13), dbSNP rs1677757689, ClinGen allele CA344078310.

ClinVar aggregate classification (germline): Uncertain significance. Review status: criteria provided, multiple submitters, no conflicts (2 of 4 stars). 2 submissions from 2 submitters: Uncertain significance (2). Last evaluated 2025-03-05.

Conditions:
Parathyroid carcinoma (PRTC). Also called: Parathyroid gland carcinoma; CDC73-Related Parathyroid Carcinoma. Identifiers: Orphanet 143, MedGen C0687150, MONDO:0012004, OMIM 608266, HP:0006780.
Hereditary cancer-predisposing syndrome. Also called: Neoplastic Syndromes, Hereditary; Hereditary Cancer Syndrome; Tumor predisposition; Hereditary neoplastic syndrome. Identifiers: Orphanet 140162, MedGen C0027672, MeSH D009386, MONDO:0015356.

Allele frequency attached by ClinVar (database versions not stated): gnomAD exomes below 0.00001.
gnomAD v4.1: 1 of 1,581,946 alleles (0.000063%); no homozygotes.

Submissions (2):

Ambry Genetics
Classification: Uncertain significance for Hereditary cancer-predisposing syndrome. Last evaluated: 2025-03-05. Review status: criteria provided, single submitter. Criteria: Ambry Variant Classification Scheme 2023. Collection method: clinical testing. Allele origin: germline.
Comment: The p.K472E variant (also known as c.1414A>G), located in coding exon 15 of the CDC73 gene, results from an A to G substitution at nucleotide position 1414. The lysine at codon 472 is replaced by glutamic acid, an amino acid with similar properties. This amino acid position is highly conserved in available vertebrate species. In addition, this alteration is predicted to be deleterious by in silico analysis. Since supporting evidence is limited at this time, the clinical significance of this alteration remains unclear.

Labcorp Genetics (formerly Invitae), Labcorp
Classification: Uncertain significance for Parathyroid carcinoma. Last evaluated: 2023-07-16. Review status: criteria provided, single submitter. Criteria: Invitae Variant Classification Sherloc (09022015). Collection method: clinical testing. Allele origin: germline.
Comment: This variant is not present in population databases (gnomAD no frequency). In summary, the available evidence is currently insufficient to determine the role of this variant in disease. Therefore, it has been classified as a Variant of Uncertain Significance. Advanced modeling of protein sequence and biophysical properties (such as structural, functional, and spatial information, amino acid conservation, physicochemical variation, residue mobility, and thermodynamic stability) performed at Invitae indicates that this missense variant is expected to disrupt CDC73 protein function. ClinVar contains an entry for this variant (Variation ID: 943492). This variant has not been reported in the literature in individuals affected with CDC73-related conditions. This sequence change replaces lysine, which is basic and polar, with glutamic acid, which is acidic and polar, at codon 472 of the CDC73 protein (p.Lys472Glu).